The following is an entry in ClinVar:

ClinVar aggregate classification (germline): Uncertain significance (1 of 4 stars; one submission).

Conditions:
Tay-Sachs disease (TSD). Also called: GM2 gangliosidosis, type 1; Hexosaminidase alpha-subunit deficiency (variant B); Sphingolipidosis, Tay-Sachs; Hexosaminidase A Deficiency; HEXA DEFICIENCY; HEXA Disorders. Identifiers: Orphanet 845, MedGen C0039373, MONDO:0010100, OMIM 272800.

Allele frequency attached by ClinVar (database versions not stated): gnomAD 0.00001; gnomAD exomes 0.00001; TOPMed 0.00002.
gnomAD v4.1: 16 of 1,614,154 alleles (0.00099%); highest among the groups gnomAD compares: Non-Finnish European, 0.0014%; no homozygotes.

Submission:

Labcorp Genetics (formerly Invitae), Labcorp
Classification: Uncertain significance for Tay-Sachs disease. Last evaluated: 2023-08-24. Review status: criteria provided, single submitter. Criteria: Invitae Variant Classification Sherloc (09022015). Collection method: clinical testing. Allele origin: germline.
Comment: This variant is not present in population databases (gnomAD no frequency). This sequence change replaces threonine, which is neutral and polar, with isoleucine, which is neutral and non-polar, at codon 490 of the HEXA protein (p.Thr490Ile). This variant has not been reported in the literature in individuals affected with HEXA-related conditions. ClinVar contains an entry for this variant (Variation ID: 2154726). Algorithms developed to predict the effect of missense changes on protein structure and function output the following: SIFT: "Not Available"; PolyPhen-2: "Benign"; Align-GVGD: "Not Available". The isoleucine amino acid residue is found in multiple mammalian species, which suggests that this missense change does not adversely affect protein function. In summary, the available evidence is currently insufficient to determine the role of this variant in disease. Therefore, it has been classified as a Variant of Uncertain Significance.

NM_000520.6(HEXA):c.1469C>T (p.Thr490Ile)

Gene: HEXA (hexosaminidase subunit alpha; minus strand). Cytogenetic location: 15q23.
Variant type: single nucleotide variant.
Coding change: c.1469C>T on transcript NM_000520.6 (MANE Select); coding-DNA position 1469, C replaced by T.
Protein change: p.Thr490Ile; replaces threonine 490 with isoleucine.
Molecular consequence: missense variant. On other transcripts: non-coding transcript variant (1).
Genome position (GRCh38, 1-based): chr15:72,345,503, G>A on the plus strand (C>T on the coding strand, the complement: HEXA is on the minus strand). VCF-style: chr15-72345503-G-A. GRCh37 (hg19) VCF-style: chr15-72637844-G-A.
Other names: c.1502C>T, p.Thr501Ile (NM_001318825.2); short protein forms T501I, T490I.
Identifiers: ClinVar variation 2154726 (VCV002154726.2), dbSNP rs2088600309, ClinGen allele CA393058727.